The following is an entry in ClinVar:

ClinVar aggregate classification (germline): Likely pathogenic. Review status: criteria provided, multiple submitters, no conflicts (2 of 4 stars). 3 submissions from 3 submitters: Likely pathogenic (3). Last evaluated 2023-05-09.

Conditions:
Pontocerebellar hypoplasia type 6 (PCH6). Identifiers: Orphanet 166073, MedGen C1969084, MONDO:0012683, OMIM 611523.

Allele frequency attached by ClinVar (database versions not stated): gnomAD exomes below 0.00001.
gnomAD v4.1: 1 of 1,586,368 alleles (0.000063%); highest among the groups gnomAD compares: African/African-American, 0.0013%; no homozygotes.

Submissions (3):

Baylor Genetics
Classification: Likely pathogenic for Pontocerebellar hypoplasia type 6. Last evaluated: 2023-05-09. Review status: criteria provided, single submitter. Criteria: ACMG Guidelines, 2015. Collection method: clinical testing. Allele origin: unknown.

Labcorp Genetics (formerly Invitae), Labcorp
Classification: Likely pathogenic. Last evaluated: 2023-05-02. Review status: criteria provided, single submitter. Criteria: Invitae Variant Classification Sherloc (09022015). Collection method: clinical testing. Allele origin: germline.
Comment: This variant is not present in population databases (gnomAD no frequency). This sequence change affects an acceptor splice site in intron 9 of the RARS2 gene. It is expected to disrupt RNA splicing. Variants that disrupt the donor or acceptor splice site typically lead to a loss of protein function (PMID: 16199547), and loss-of-function variants in RARS2 are known to be pathogenic (PMID: 17847012, 22569581, 26083569). This variant has not been reported in the literature in individuals affected with RARS2-related conditions. ClinVar contains an entry for this variant (Variation ID: 1484172). Algorithms developed to predict the effect of sequence changes on RNA splicing suggest that this variant may disrupt the consensus splice site. In summary, the currently available evidence indicates that the variant is pathogenic, but additional data are needed to prove that conclusively. Therefore, this variant has been classified as Likely Pathogenic.

Fulgent Genetics
Classification: Likely pathogenic for Pontocerebellar hypoplasia type 6. Last evaluated: 2021-11-12. Review status: criteria provided, single submitter. Criteria: ACMG Guidelines, 2015. Collection method: clinical testing. Allele origin: unknown.

Literature cited by the submitters: PubMed 16199547 (cited by Labcorp Genetics (formerly Invitae), Labcorp); PubMed 17847012 (cited by Labcorp Genetics (formerly Invitae), Labcorp); PubMed 22569581 (cited by Labcorp Genetics (formerly Invitae), Labcorp); PubMed 26083569 (cited by Labcorp Genetics (formerly Invitae), Labcorp).

NM_020320.5(RARS2):c.772-1G>A

Gene: RARS2 (arginyl-tRNA synthetase 2, mitochondrial; minus strand). Cytogenetic location: 6q15.
Variant type: single nucleotide variant.
Coding change: c.772-1G>A on transcript NM_020320.5 (MANE Select); the canonical splice acceptor site of the intron before coding-DNA position 772, G replaced by A.
Molecular consequence: splice acceptor variant.
Genome position (GRCh38, 1-based): chr6:87,529,649, C>T on the plus strand (G>A on the coding strand, the complement: RARS2 is on the minus strand). VCF-style: chr6-87529649-C-T. GRCh37 (hg19) VCF-style: chr6-88239367-C-T.
Other names: c.772-1G>A (NM_001350505.2); c.247-1G>A (NM_001350509.2, NM_001318785.2, NM_001350506.2 and 4 more transcripts).
Identifiers: ClinVar variation 1484172 (VCV001484172.8), dbSNP rs2128057942, ClinGen allele CA364928974.